The following is an entry in ClinVar:

ClinVar aggregate classification (germline): Likely benign (0 of 4 stars; one submission).

Conditions:
RTTN-related disorder. Also called: RTTN-related condition.

Submission:

PreventionGenetics, part of Exact Sciences
Classification: Likely benign for RTTN-related condition. Last evaluated: 2024-05-17. Review status: no assertion criteria provided. Collection method: clinical testing. Allele origin: germline.
Comment: This variant is classified as likely benign based on ACMG/AMP sequence variant interpretation guidelines (Richards et al. 2015 PMID: 25741868, with internal and published modifications).

NM_173630.4(RTTN):c.4303-25_4303-10del

Gene: RTTN (rotatin; minus strand). Cytogenetic location: 18q22.2.
Variant type: Deletion.
Coding change: c.4303-25_4303-10del on transcript NM_173630.4 (MANE Select); 25 bases into the intron before coding-DNA position 4303 through 10 bases into the intron before coding-DNA position 4303, 16 bases deleted (TTTTTTTTTTTTTTTA).
Molecular consequence: intron variant.
Genome position (GRCh38, 1-based): chr18:70,086,694-70,086,709, TAAAAAAAAAAAAAAA deleted on the plus strand (TTTTTTTTTTTTTTTA on the coding strand, the reverse complement: RTTN is on the minus strand). VCF-style (leftmost placement, unchanged base first): chr18-70086693-GTAAAAAAAAAAAAAAA-G. GRCh37 (hg19) VCF-style: chr18-67753929-GTAAAAAAAAAAAAAAA-G.
Other names: c.1567-25_1567-10del (NM_001318520.2).
Identifiers: ClinVar variation 3349781 (VCV003349781.1).